The following is an entry in ClinVar:

ClinVar aggregate classification (germline): Uncertain significance. Review status: criteria provided, multiple submitters, no conflicts (2 of 4 stars). 2 submissions from 2 submitters: Uncertain significance (2). Last evaluated 2024-10-23.

Allele frequency attached by ClinVar (database versions not stated): TOPMed below 0.00001; gnomAD 0.00001.

Submissions (2):

Labcorp Genetics (formerly Invitae), Labcorp
Classification: Uncertain significance. Last evaluated: 2024-10-23. Review status: criteria provided, single submitter. Criteria: Invitae Variant Classification Sherloc (09022015). Collection method: clinical testing. Allele origin: germline.
Comment: This sequence change falls in intron 4 of the REEP6 gene. It does not directly change the encoded amino acid sequence of the REEP6 protein. This variant is not present in population databases (gnomAD no frequency). This variant has been observed in individual(s) with retinitis pigmentosa (internal data). ClinVar contains an entry for this variant (Variation ID: 939115). Algorithms developed to predict the effect of sequence changes on RNA splicing suggest that this variant may disrupt the consensus splice site. In summary, the available evidence is currently insufficient to determine the role of this variant in disease. Therefore, it has been classified as a Variant of Uncertain Significance.

Blueprint Genetics
Classification: Uncertain significance. Last evaluated: 2024-07-08. Review status: criteria provided, single submitter. Criteria: ACMG Guidelines, 2015. Collection method: clinical testing. Allele origin: germline.

NM_138393.4(REEP6):c.517+129G>A

Gene: REEP6 (receptor accessory protein 6; plus strand). Cytogenetic location: 19p13.3.
Variant type: single nucleotide variant.
Coding change: c.517+129G>A on transcript NM_138393.4 (MANE Select); 129 bases into the intron after coding-DNA position 517, G replaced by A.
Molecular consequence: intron variant.
Genome position (GRCh38, 1-based): chr19:1,496,582, G>A. VCF-style: chr19-1496582-G-A. GRCh37 (hg19) VCF-style: chr19-1496581-G-A.
Other names: c.518-9G>A (NM_001329556.3).
Identifiers: ClinVar variation 939115 (VCV000939115.10), dbSNP rs1474599813, ClinGen allele CA631057734.